The following is an entry in ClinVar:

ClinVar aggregate classification (germline): Uncertain significance (1 of 4 stars; one submission).

Conditions:
Inborn genetic diseases. Identifiers: MedGen C0950123, MeSH D030342.

Submission:

Ambry Genetics
Classification: Uncertain significance for Inborn genetic diseases. Last evaluated: 2026-02-23. Review status: criteria provided, single submitter. Criteria: Ambry Variant Classification Scheme 2023. Collection method: clinical testing. Allele origin: germline.
Comment: The p.E106Q variant (also known as c.316G>C), located in coding exon 3 of the ELANE gene, results from a G to C substitution at nucleotide position 316. The glutamic acid at codon 106 is replaced by glutamine, an amino acid with highly similar properties. This amino acid position is conserved. In addition, the in silico prediction for this alteration is inconclusive. Based on the available evidence, the clinical significance of this variant remains unclear.

NM_001972.4(ELANE):c.316G>C (p.Glu106Gln)

Gene: ELANE (elastase, neutrophil expressed; plus strand). Cytogenetic location: 19p13.3.
Variant type: single nucleotide variant.
Coding change: c.316G>C on transcript NM_001972.4 (MANE Select); coding-DNA position 316, G replaced by C.
Protein change: p.Glu106Gln; replaces glutamic acid 106 with glutamine.
Molecular consequence: missense variant.
Genome position (GRCh38, 1-based): chr19:853,353, G>C. VCF-style: chr19-853353-G-C. GRCh37 (hg19) VCF-style: chr19-853353-G-C.
Other names: short protein forms E106Q.
Identifiers: ClinVar variation 4826507 (VCV004826507.1).